The following is an entry in ClinVar:

NM_058216.3(RAD51C):c.728G>A (p.Gly243Asp)

Gene: RAD51C (RAD51 paralog C; plus strand). Cytogenetic location: 17q22.
Variant type: single nucleotide variant.
Coding change: c.728G>A on transcript NM_058216.3 (MANE Select); coding-DNA position 728, G replaced by A.
Protein change: p.Gly243Asp; replaces glycine 243 with aspartic acid.
Molecular consequence: missense variant. On other transcripts: non-coding transcript variant (1).
Genome position (GRCh38, 1-based): chr17:58,709,881, G>A. VCF-style: chr17-58709881-G-A. GRCh37 (hg19) VCF-style: chr17-56787242-G-A.
Other names: c.*156G>A (NM_058217.1); short protein forms G243D.
Identifiers: ClinVar variation 1758101 (VCV001758101.7), dbSNP rs2143850723, ClinGen allele CA400353325.
Genomic context (GRCh38, chr17:58,709,881, plus strand): 5'-TTTCGTAACAAATCTAATATTATCTCTTCTGTATTTAGGTTCGACTAGTGATAGTGGATG[G>A]TATTGCTTTTCCATTTCGTCATGACCTAGATGACCTGTCTCTTCGTACTCGGTTATTAAA-3'
Protein context (NP_478123.1, residues 233-253): HSKVRLVIVD[Gly243Asp]IAFPFRHDLD

ClinVar aggregate classification (germline): Conflicting classifications of pathogenicity. Review status: criteria provided, conflicting classifications (1 of 4 stars). 2 submissions from 2 submitters: Uncertain significance (1); Likely benign (1). Last evaluated 2025-10-09.

Conditions:
Hereditary cancer-predisposing syndrome. Also called: Neoplastic Syndromes, Hereditary; Tumor predisposition; Hereditary neoplastic syndrome; Hereditary Cancer Syndrome. Identifiers: Orphanet 140162, MedGen C0027672, MeSH D009386, MONDO:0015356.
Fanconi anemia complementation group O. Also called: RAD51C-Related Fanconi Anemia. Identifiers: Orphanet 84, MedGen C3150653, MONDO:0013248, OMIM 613390.

Submissions (2):

Ambry Genetics
Classification: Likely benign for Hereditary cancer-predisposing syndrome. Last evaluated: 2025-10-09. Review status: criteria provided, single submitter. Criteria: Ambry Variant Classification Scheme 2023. Collection method: clinical testing. Allele origin: germline.

Labcorp Genetics (formerly Invitae), Labcorp
Classification: Uncertain significance for Fanconi anemia complementation group O. Last evaluated: 2023-12-20. Review status: criteria provided, single submitter. Criteria: Invitae Variant Classification Sherloc (09022015). Collection method: clinical testing. Allele origin: germline.
Comment: This sequence change replaces glycine, which is neutral and non-polar, with aspartic acid, which is acidic and polar, at codon 243 of the RAD51C protein (p.Gly243Asp). This variant is not present in population databases (gnomAD no frequency). This variant has not been reported in the literature in individuals affected with RAD51C-related conditions. ClinVar contains an entry for this variant (Variation ID: 1758101). Advanced modeling of protein sequence and biophysical properties (such as structural, functional, and spatial information, amino acid conservation, physicochemical variation, residue mobility, and thermodynamic stability) performed at Invitae indicates that this missense variant is not expected to disrupt RAD51C protein function with a negative predictive value of 80%. In summary, the available evidence is currently insufficient to determine the role of this variant in disease. Therefore, it has been classified as a Variant of Uncertain Significance.